The following is an entry in ClinVar:

NM_004646.4(NPHS1):c.1954C>T (p.Gln652Ter)

Gene: NPHS1 (NPHS1 adhesion molecule, nephrin; minus strand). Cytogenetic location: 19q13.12.
Variant type: single nucleotide variant.
Coding change: c.1954C>T on transcript NM_004646.4 (MANE Select); coding-DNA position 1954, C replaced by T.
Protein change: p.Gln652Ter; replaces glutamine 652 with a stop codon.
Molecular consequence: nonsense.
Genome position (GRCh38, 1-based): chr19:35,844,436, G>A on the plus strand (C>T on the coding strand, the complement: NPHS1 is on the minus strand). VCF-style: chr19-35844436-G-A. GRCh37 (hg19) VCF-style: chr19-36335338-G-A.
Other names: short protein forms Q652*.
Identifiers: ClinVar variation 56457 (VCV000056457.11), dbSNP rs386833899, ClinGen allele CA250158.

ClinVar aggregate classification (germline): Pathogenic/Likely pathogenic. Review status: criteria provided, multiple submitters, no conflicts (2 of 4 stars). 7 submissions from 7 submitters: Pathogenic (4); Likely pathogenic (2). 1 of the submissions does not count toward it. Last evaluated 2025-06-17.

Conditions:
NPHS1-related disorder. Also called: NPHS1-related condition.
Finnish congenital nephrotic syndrome (NPHS1). Also called: NEPHROTIC SYNDROME, TYPE 1. Identifiers: Orphanet 839, MedGen C0403399, MONDO:0009732, OMIM 256300.

Allele frequency attached by ClinVar (database versions not stated): gnomAD exomes below 0.00001 and 0.00002; gnomAD 0.00001; TOPMed 0.00001.
gnomAD v4.1: 35 of 1,591,432 alleles (0.0022%); highest among the groups gnomAD compares: Non-Finnish European, 0.0028%; no homozygotes.

Submissions (7):

Natera, Inc.
Classification: Likely pathogenic for Finnish congenital nephrotic syndrome. Last evaluated: 2025-06-17. Review status: criteria provided, single submitter. Criteria: Natera Variant Classification Schema (03/2026). Collection method: clinical testing. Allele origin: germline.
Comment: The c.1954C>T variant in NPHS1 is a nonsense variant predicted to introduce a stop codon at amino acid 652. This variant is expected to result in nonsense mediated decay, truncation, or a dysfunctional protein product. This variant is rare in the general population with a frequency below the threshold expected for the associated phenotype(s). Given the available evidence, this variant is classified as Likely Pathogenic.

Labcorp Genetics (formerly Invitae), Labcorp
Classification: Pathogenic. Last evaluated: 2025-04-08. Review status: criteria provided, single submitter. Criteria: Invitae Variant Classification Sherloc (09022015). Collection method: clinical testing. Allele origin: germline.
Comment: This sequence change creates a premature translational stop signal (p.Gln652*) in the NPHS1 gene. It is expected to result in an absent or disrupted protein product. Loss-of-function variants in NPHS1 are known to be pathogenic (PMID: 11317351, 11854170, 12039988). The frequency data for this variant in the population databases is considered unreliable, as metrics indicate poor data quality at this position in the gnomAD database. This premature translational stop signal has been observed in individual(s) with congenital nephrotic syndrome (PMID: 9915943). ClinVar contains an entry for this variant (Variation ID: 56457). For these reasons, this variant has been classified as Pathogenic.

Fulgent Genetics
Classification: Pathogenic for Finnish congenital nephrotic syndrome. Last evaluated: 2024-05-16. Review status: criteria provided, single submitter. Criteria: ACMG Guidelines, 2015. Collection method: clinical testing. Allele origin: germline.

Baylor Genetics
Classification: Pathogenic for Finnish congenital nephrotic syndrome. Last evaluated: 2024-03-22. Review status: criteria provided, single submitter. Criteria: ACMG Guidelines, 2015. Collection method: clinical testing. Allele origin: unknown.

Women's Health and Genetics/Laboratory Corporation of America, LabCorp
Classification: Pathogenic for Finnish congenital nephrotic syndrome. Last evaluated: 2021-07-31. Review status: criteria provided, single submitter. Criteria: LabCorp Variant Classification Summary - May 2015. Collection method: clinical testing. Allele origin: germline.
Comment: Variant summary: NPHS1 c.1954C>T (p.Gln652X) results in a premature termination codon, predicted to cause a truncation of the encoded protein or absence of the protein due to nonsense mediated decay, which are commonly known mechanisms for disease. Truncations downstream of this position have been classified as pathogenic by our laboratory. The variant allele was found at a frequency of 4.9e-06 in 205468 control chromosomes. c.1954C>T has been reported in the literature in at-least one individual affected with Congenital Nephrotic Syndrome, Type 1 and has been subsequently cited by others (example, Lenkkeri_1999, Beltcheva_2001, Machuca_2010). No clinical diagnostic laboratories have submitted clinical-significance assessments for this variant to ClinVar after 2014. Based on the evidence outlined above, the variant was classified as pathogenic.

Blueprint Genetics
Classification: Likely pathogenic for NPHS1-related disorders. Last evaluated: 2020-08-18. Review status: criteria provided, single submitter. Criteria: ACMG Guidelines, 2015. Collection method: clinical testing. Allele origin: germline. Affected: yes. Observed: 1 variant allele.

Juha Muilu Group; Institute for Molecular Medicine Finland (FIMM)
Classification: Likely pathogenic for Finnish congenital nephrotic syndrome. Review status: no assertion criteria provided. Collection method: not provided. Allele origin: unknown. Not counted in ClinVar's aggregate classification.
Comment: FinDis database variant: This variant was not found or characterized by our laboratory, data were collected from public sources: see reference
ClinVar note: Converted during submission from probable-pathogenic to Likely pathogenic.

Literature cited by the submitters: PubMed 11317351 (cited by Labcorp Genetics (formerly Invitae), Labcorp and Women's Health and Genetics/Laboratory Corporation of America, LabCorp); PubMed 11854170 (cited by Labcorp Genetics (formerly Invitae), Labcorp); PubMed 12039988 (cited by Labcorp Genetics (formerly Invitae), Labcorp); PubMed 9915943 (cited by Labcorp Genetics (formerly Invitae), Labcorp and Women's Health and Genetics/Laboratory Corporation of America, LabCorp); PubMed 20507940 (cited by Women's Health and Genetics/Laboratory Corporation of America, LabCorp).